The following is an entry in ClinVar:

ClinVar aggregate classification (germline): Benign. Review status: criteria provided, single submitter (1 of 4 stars). 2 submissions from 2 submitters: Benign (1). 1 of the submissions does not count toward it. Last evaluated 2024-10-28.

Conditions:
SALL2-related disorder. Also called: SALL2-related condition.

Allele frequency attached by ClinVar (database versions not stated): ExAC 0.00069; gnomAD 0.00230 and 0.00208; TOPMed 0.00230; ESP Exome Variant Server 0.00254; 1000 Genomes Project 30x 0.00265; gnomAD exomes 0.00051; 1000 Genomes Project 0.00240.
gnomAD v4.1: 616 of 1,614,066 alleles (0.038%); highest among the groups gnomAD compares: African/African-American, 0.76%; 3 homozygotes.

Submissions (2):

Labcorp Genetics (formerly Invitae), Labcorp
Classification: Benign. Last evaluated: 2024-10-28. Review status: criteria provided, single submitter. Criteria: Invitae Variant Classification Sherloc (09022015). Collection method: clinical testing. Allele origin: germline.

PreventionGenetics, part of Exact Sciences
Classification: Benign for SALL2-related condition. Last evaluated: 2019-06-26. Review status: no assertion criteria provided. Collection method: clinical testing. Allele origin: germline. Not counted in ClinVar's aggregate classification.
Comment: This variant is classified as benign based on ACMG/AMP sequence variant interpretation guidelines (Richards et al. 2015 PMID: 25741868, with internal and published modifications).

NM_001364564.1(SALL2):c.2507C>T (p.Pro836Leu)

Gene: SALL2 (spalt like transcription factor 2; minus strand). Cytogenetic location: 14q11.2.
Variant type: single nucleotide variant.
Coding change: c.2507C>T on transcript NM_001364564.1 (MANE Select); coding-DNA position 2507, C replaced by T.
Protein change: p.Pro836Leu; replaces proline 836 with leucine.
Molecular consequence: missense variant.
Genome position (GRCh38, 1-based): chr14:21,523,215, G>A on the plus strand (C>T on the coding strand, the complement: SALL2 is on the minus strand). VCF-style: chr14-21523215-G-A. GRCh37 (hg19) VCF-style: chr14-21991349-G-A.
Other names: c.2108C>T, p.Pro703Leu (NM_001291446.2); c.2102C>T, p.Pro701Leu (NM_001291447.2); c.2513C>T, p.Pro838Leu (NM_005407.3); short protein forms P701L, P703L, P836L, P838L.
Identifiers: ClinVar variation 739905 (VCV000739905.10), dbSNP rs114880530, ClinGen allele CA7093474.